The following is an entry in ClinVar:

NM_014287.4(NOMO1):c.3030G>A (p.Pro1010=)

Gene: NOMO1 (NODAL modulator 1). Cytogenetic location: 16p13.11.
Variant type: single nucleotide variant.
Coding change: c.3030G>A on transcript NM_014287.4 (MANE Select); coding-DNA position 3030, G replaced by A.
Protein change: p.Pro1010=; no amino-acid change (proline 1010 retained).
Molecular consequence: synonymous variant.
Genome position (GRCh38, 1-based): chr16:14,882,596, G>A. VCF-style: chr16-14882596-G-A. GRCh37 (hg19) VCF-style: chr16-14976453-G-A.
Other names: NC_000016.9:g.14976453G>A.
Identifiers: ClinVar variation 3025306 (VCV003025306.22), dbSNP rs138934847, ClinGen allele CA7913910.

ClinVar aggregate classification (germline): Likely benign (1 of 4 stars; one submission).

Allele frequency attached by ClinVar (database versions not stated): 1000 Genomes Project 0.00240; 1000 Genomes Project 30x 0.00250; ESP Exome Variant Server 0.00346; gnomAD 0.00376; TOPMed 0.00384; gnomAD exomes 0.00427; ExAC 0.00438.
gnomAD v4.1: 6,816 of 1,611,506 alleles (0.42%); highest among the groups gnomAD compares: Middle Eastern, 0.93%; 60 homozygotes.

Submissions (4):

CeGaT Center for Human Genetics Tuebingen
Classification: Likely benign. Last evaluated: 2024-01-01. Review status: criteria provided, single submitter. Criteria: CeGaT Center For Human Genetics Tuebingen Variant Classification Criteria Version 2. Collection method: clinical testing. Allele origin: germline. Affected: yes. Observed: 1 variant allele.
Comment: NOMO1: PP3, BS2

Dr. Peter K. Rogan Lab, Western University
No classification provided (evidence only). Condition: Malignant tumor of urinary bladder. Review status: no classification provided. Collection method: in vitro. Allele origin: not applicable. Functional consequence: retained intron. Not counted in ClinVar's aggregate classification.

Dr. Peter K. Rogan Lab, Western University
No classification provided (evidence only). Condition: Familial cancer of breast. Review status: no classification provided. Collection method: in vitro. Allele origin: not applicable. Functional consequence: retained intron. Not counted in ClinVar's aggregate classification.

Dr. Peter K. Rogan Lab, Western University
No classification provided (evidence only). Condition: Squamous cell carcinoma of the head and neck. Review status: no classification provided. Collection method: in vitro. Allele origin: not applicable. Functional consequence: retained intron. Not counted in ClinVar's aggregate classification.